The following is an entry in ClinVar:

ClinVar aggregate classification (germline): Conflicting classifications of pathogenicity. Review status: criteria provided, conflicting classifications (1 of 4 stars). 6 submissions from 6 submitters: Uncertain significance (2); Benign (1); Likely benign (3). Last evaluated 2026-01-05.

Conditions:
Familial thoracic aortic aneurysm and aortic dissection (TAAD). Also called: Thoracic aortic aneurysms and dissections. Identifiers: Orphanet 91387, MedGen C4707243, MONDO:0019625.
Marfan syndrome (MFS). Also called: FBN1-Related Marfan Syndrome; Marfan's syndrome; MARFAN SYNDROME, TYPE I; Marfan syndrome type 1; Marfan syndrome, classic. Identifiers: Orphanet 284963, Orphanet 558, MedGen C0024796, MONDO:0007947, OMIM 154700.

Allele frequency attached by ClinVar (database versions not stated): TOPMed 0.00002; gnomAD 0.00003 and 0.00004; ExAC 0.00002.
gnomAD v4.1: 48 of 1,613,878 alleles (0.003%); highest among the groups gnomAD compares: East Asian, 0.013%; no homozygotes.

Submissions (6):

Labcorp Genetics (formerly Invitae), Labcorp
Classification: Benign for Marfan syndrome; Familial thoracic aortic aneurysm and aortic dissection. Last evaluated: 2026-01-05. Review status: criteria provided, single submitter. Criteria: Invitae Variant Classification Sherloc (09022015). Collection method: clinical testing. Allele origin: germline.

Blueprint Genetics
Classification: Likely benign. Last evaluated: 2024-08-30. Review status: criteria provided, single submitter. Criteria: ACMG Guidelines, 2015. Collection method: clinical testing. Allele origin: germline.

GeneDx
Classification: Uncertain significance. Last evaluated: 2023-10-12. Review status: criteria provided, single submitter. Criteria: GeneDx Variant Classification Process June 2021. Collection method: clinical testing. Allele origin: germline. Affected: yes.
Comment: Has not been previously published as pathogenic or benign to our knowledge; Although located in a calcium-binding EGF-like domain of the FBN1 gene, it does not affect a cysteine residue within this domain; cysteine substitutions in the calcium-binding EGF-like domains represent the majority of pathogenic missense changes associated with FBN1-related disorders (Collod-Beroud et al., 2003); In silico analysis supports that this missense variant does not alter protein structure/function

Ambry Genetics
Classification: Likely benign for Familial thoracic aortic aneurysm and aortic dissection. Last evaluated: 2023-03-30. Review status: criteria provided, single submitter. Criteria: Ambry Variant Classification Scheme 2023. Collection method: clinical testing. Allele origin: germline.

Color Diagnostics, LLC DBA Color Health
Classification: Likely benign for Familial thoracic aortic aneurysm and aortic dissection. Last evaluated: 2022-11-18. Review status: criteria provided, single submitter. Criteria: ACMG Guidelines, 2015. Collection method: clinical testing. Allele origin: germline.

ARUP Laboratories, Molecular Genetics and Genomics, ARUP Laboratories
Classification: Uncertain significance. Last evaluated: 2021-10-28. Review status: criteria provided, single submitter. Criteria: ARUP Molecular Germline Variant Investigation Process 2021. Collection method: clinical testing. Allele origin: germline.
Comment: The FBN1 c.2290G>A; p.Val764Ile variant (rs769641351), to our knowledge, is not reported in the medical literature but is reported in ClinVar (Variation ID: 835249). This variant is found in the East Asian population with an allele frequency of 0.035% (7/19954 alleles) in the Genome Aggregation Database. The valine at codon 764 is weakly conserved, but computational analyses are uncertain whether this variant is neutral or deleterious (REVEL: 0.259). Due to limited information, the clinical significance of the p.Val764Ile variant is uncertain at this time.

Literature cited by the submitters: PubMed 27906200 (cited by Ambry Genetics).

NM_000138.5(FBN1):c.2290G>A (p.Val764Ile)

Gene: FBN1 (fibrillin 1; minus strand). Cytogenetic location: 15q21.1.
Variant type: single nucleotide variant.
Coding change: c.2290G>A on transcript NM_000138.5 (MANE Select); coding-DNA position 2290, G replaced by A.
Protein change: p.Val764Ile; replaces valine 764 with isoleucine.
Molecular consequence: missense variant.
Genome position (GRCh38, 1-based): chr15:48,497,269, C>T on the plus strand (G>A on the coding strand, the complement: FBN1 is on the minus strand). VCF-style: chr15-48497269-C-T. GRCh37 (hg19) VCF-style: chr15-48789466-C-T.
Other names: short protein forms V764I.
Identifiers: ClinVar variation 835249 (VCV000835249.25), dbSNP rs769641351, ClinGen allele CA047304.